The following is an entry in ClinVar:

NM_017802.4(DNAAF5):c.1177C>T (p.His393Tyr)

Gene: DNAAF5 (dynein axonemal assembly factor 5; plus strand). Cytogenetic location: 7p22.3.
Variant type: single nucleotide variant.
Coding change: c.1177C>T on transcript NM_017802.4 (MANE Select); coding-DNA position 1177, C replaced by T.
Protein change: p.His393Tyr; replaces histidine 393 with tyrosine.
Molecular consequence: missense variant. On other transcripts: non-coding transcript variant (1).
Genome position (GRCh38, 1-based): chr7:754,741, C>T. VCF-style: chr7-754741-C-T. GRCh37 (hg19) VCF-style: chr7-794378-C-T.
Other names: short protein forms H393Y.
Identifiers: ClinVar variation 454846 (VCV000454846.2), dbSNP rs768907625, ClinGen allele CA4110619.
Genomic context (GRCh38, chr7:754,741, plus strand): 5'-GTGGGGACCCGAGTGAAGTCGGCACAGCTGCTCCCAGTGCTGCTGCTGCATGCCGAGGAC[C>T]ACGCCACGCAGCACCTGGAGGTCGTCCTCCGGACCCTGTTCCAGGCCTGCACCGACGAGG-3'
Protein context (NP_060272.3, residues 383-403): LPVLLLHAED[His393Tyr]ATQHLEVVLR

ClinVar aggregate classification (germline): Uncertain significance (1 of 4 stars; one submission).

Conditions:
Primary ciliary dyskinesia. Also called: Ciliary dyskinesia. Identifiers: Orphanet 244, MedGen C0008780, MONDO:0016575, HP:0012265.

Allele frequency attached by ClinVar (database versions not stated): TOPMed 0.00001; ExAC 0.00002; gnomAD 0.00002 and 0.00003; gnomAD exomes 0.00002.
gnomAD v4.1: 31 of 1,613,548 alleles (0.0019%); highest among the groups gnomAD compares: South Asian, 0.0088%; no homozygotes.

Submission:

Labcorp Genetics (formerly Invitae), Labcorp
Classification: Uncertain significance for Primary ciliary dyskinesia. Last evaluated: 2024-09-30. Review status: criteria provided, single submitter. Criteria: Invitae Variant Classification Sherloc (09022015). Collection method: clinical testing. Allele origin: germline.
Comment: This sequence change replaces histidine, which is basic and polar, with tyrosine, which is neutral and polar, at codon 393 of the DNAAF5 protein (p.His393Tyr). This variant is present in population databases (rs768907625, gnomAD 0.04%). This variant has not been reported in the literature in individuals affected with DNAAF5-related conditions. ClinVar contains an entry for this variant (Variation ID: 454846). Invitae Evidence Modeling of protein sequence and biophysical properties (such as structural, functional, and spatial information, amino acid conservation, physicochemical variation, residue mobility, and thermodynamic stability) has been performed for this missense variant. However, the output from this modeling did not meet the statistical confidence thresholds required to predict the impact of this variant on DNAAF5 protein function. In summary, the available evidence is currently insufficient to determine the role of this variant in disease. Therefore, it has been classified as a Variant of Uncertain Significance.